The following is an entry in ClinVar:

NM_002778.4(PSAP):c.1063G>C (p.Glu355Gln)

Gene: PSAP (prosaposin; minus strand). Cytogenetic location: 10q22.1.
Variant type: single nucleotide variant.
Coding change: c.1063G>C on transcript NM_002778.4 (MANE Select); coding-DNA position 1063, G replaced by C.
Protein change: p.Glu355Gln; replaces glutamic acid 355 with glutamine.
Molecular consequence: missense variant.
Genome position (GRCh38, 1-based): chr10:71,819,843, C>G on the plus strand (G>C on the coding strand, the complement: PSAP is on the minus strand). VCF-style: chr10-71819843-C-G. GRCh37 (hg19) VCF-style: chr10-73579600-C-G.
Other names: c.1063G>C (NM_002778.2); c.1072G>C, p.Glu358Gln (NM_001042465.3); c.1069G>C, p.Glu357Gln (NM_001042466.3); short protein forms E355Q, E357Q, E358Q.
Identifiers: ClinVar variation 1398521 (VCV001398521.6), dbSNP rs754626939, ClinGen allele CA5547491.

ClinVar aggregate classification (germline): Uncertain significance. Review status: criteria provided, multiple submitters, no conflicts (2 of 4 stars). 2 submissions from 2 submitters: Uncertain significance (2). Last evaluated 2025-06-19.

Conditions:
Sphingolipid activator protein 1 deficiency. Also called: Metachromatic leukodystrophy due to saposin B deficiency; Saposin B Deficiency; METACHROMATIC LEUKODYSTROPHY DUE TO CEREBROSIDE SULFATASE ACTIVATOR DEFICIENCY. Identifiers: Orphanet 512, MedGen C0268262, MONDO:0009590, OMIM 249900.
Inborn genetic diseases. Identifiers: MedGen C0950123, MeSH D030342.

Allele frequency attached by ClinVar (database versions not stated): TOPMed below 0.00001; ExAC 0.00001; gnomAD exomes 0.00001 and 0.00003.
gnomAD v4.1: 47 of 1,614,212 alleles (0.0029%); highest among the groups gnomAD compares: Non-Finnish European, 0.0037%; no homozygotes.

Submissions (2):

Ambry Genetics
Classification: Uncertain significance for Inborn genetic diseases. Last evaluated: 2025-06-19. Review status: criteria provided, single submitter. Criteria: Ambry Variant Classification Scheme 2023. Collection method: clinical testing. Allele origin: germline.

Labcorp Genetics (formerly Invitae), Labcorp
Classification: Uncertain significance for Sphingolipid activator protein 1 deficiency. Last evaluated: 2023-11-27. Review status: criteria provided, single submitter. Criteria: Invitae Variant Classification Sherloc (09022015). Collection method: clinical testing. Allele origin: germline.
Comment: This sequence change replaces glutamic acid, which is acidic and polar, with glutamine, which is neutral and polar, at codon 355 of the PSAP protein (p.Glu355Gln). This variant is present in population databases (rs754626939, gnomAD 0.003%). This variant has not been reported in the literature in individuals affected with PSAP-related conditions. ClinVar contains an entry for this variant (Variation ID: 1398521). Advanced modeling of protein sequence and biophysical properties (such as structural, functional, and spatial information, amino acid conservation, physicochemical variation, residue mobility, and thermodynamic stability) performed at Invitae indicates that this missense variant is not expected to disrupt PSAP protein function with a negative predictive value of 80%. In summary, the available evidence is currently insufficient to determine the role of this variant in disease. Therefore, it has been classified as a Variant of Uncertain Significance.